The following is an entry in ClinVar:

ClinVar aggregate classification (germline): Benign/Likely benign. Review status: criteria provided, multiple submitters, no conflicts (2 of 4 stars). 4 submissions from 4 submitters: Benign (2); Likely benign (1). 1 of the submissions does not count toward it. Last evaluated 2025-12-25.

Conditions:
KCNK18-related disorder. Also called: KCNK18-related condition.

Allele frequency attached by ClinVar (database versions not stated): 1000 Genomes Project 0.00060; 1000 Genomes Project 30x 0.00062; ESP Exome Variant Server 0.00077; ExAC 0.00102; TOPMed 0.00108; gnomAD 0.00112; gnomAD exomes 0.00162.
gnomAD v4.1: 2,554 of 1,614,166 alleles (0.16%); highest among the groups gnomAD compares: Non-Finnish European, 0.19%; 4 homozygotes.

Submissions (4):

Labcorp Genetics (formerly Invitae), Labcorp
Classification: Benign. Last evaluated: 2025-12-25. Review status: criteria provided, single submitter. Criteria: Invitae Variant Classification Sherloc (09022015). Collection method: clinical testing. Allele origin: germline.

Blueprint Genetics
Classification: Likely benign. Last evaluated: 2024-11-20. Review status: criteria provided, single submitter. Criteria: ACMG Guidelines, 2015. Collection method: clinical testing. Allele origin: germline.

CeGaT Center for Human Genetics Tuebingen
Classification: Benign. Last evaluated: 2022-08-01. Review status: criteria provided, single submitter. Criteria: CeGaT Center For Human Genetics Tuebingen Variant Classification Criteria Version 2. Collection method: clinical testing. Allele origin: germline. Affected: yes. Observed: 1 variant allele.
Comment: KCNK18: BS1, BS2

PreventionGenetics, part of Exact Sciences
Classification: Likely benign for KCNK18-related condition. Last evaluated: 2024-06-10. Review status: no assertion criteria provided. Collection method: clinical testing. Allele origin: germline. Not counted in ClinVar's aggregate classification.
Comment: This variant is classified as likely benign based on ACMG/AMP sequence variant interpretation guidelines (Richards et al. 2015 PMID: 25741868, with internal and published modifications).

NM_181840.1(KCNK18):c.489T>C (p.Tyr163=)

Gene: KCNK18 (potassium two pore domain channel subfamily K member 18; plus strand). Cytogenetic location: 10q25.3.
Variant type: single nucleotide variant.
Coding change: c.489T>C on transcript NM_181840.1 (MANE Select); coding-DNA position 489, T replaced by C.
Protein change: p.Tyr163=; no amino-acid change (tyrosine 163 retained).
Molecular consequence: synonymous variant.
Genome position (GRCh38, 1-based): chr10:117,209,633, T>C. VCF-style: chr10-117209633-T-C. GRCh37 (hg19) VCF-style: chr10-118969144-T-C.
Identifiers: ClinVar variation 2060078 (VCV002060078.29), dbSNP rs138520026, ClinGen allele CA5709997.